The following is an entry in ClinVar:

NM_033022.4(RPS24):c.189T>C (p.His63=)

Gene: RPS24 (ribosomal protein S24; plus strand). Cytogenetic location: 10q22.3.
Variant type: single nucleotide variant.
Coding change: c.189T>C on transcript NM_033022.4 (MANE Select); coding-DNA position 189, T replaced by C.
Protein change: p.His63=; no amino-acid change (histidine 63 retained).
Molecular consequence: synonymous variant.
Genome position (GRCh38, 1-based): chr10:78,035,630, T>C. VCF-style: chr10-78035630-T-C. GRCh37 (hg19) VCF-style: chr10-79795388-T-C.
Other names: c.189T>C (NM_001142285.1); c.189T>C, p.His63= (NM_001026.5, NM_001142282.2, NM_001142283.2 and 2 more transcripts).
Identifiers: ClinVar variation 436555 (VCV000436555.22), dbSNP rs201805132, ClinGen allele CA5571960.
Genomic context (GRCh38, chr10:78,035,630, plus strand): 5'-ACTAGCCAAAATGTACAAGACCACACCGGATGTCATCTTTGTATTTGGATTCAGAACTCA[T>C]TTTGGTGGTGGCAAGACAACTGGCTTTGGCATGATTTATGATTCCCTGGATTATGCAAAG-3'
Protein context (NP_148982.1, residues 53-73): DVIFVFGFRT[His63=]FGGGKTTGFG

ClinVar aggregate classification (germline): Conflicting classifications of pathogenicity. Review status: criteria provided, conflicting classifications (1 of 4 stars). 5 submissions from 5 submitters: Uncertain significance (1); Likely benign (3). 1 of the submissions does not count toward it. Last evaluated 2025-10-11.

Conditions:
Diamond-Blackfan anemia. Also called: Blackfan Diamond syndrome; Aregenerative anemia chronic congenital; Red cell aplasia, pure hereditary; Congenital hypoplastic anemia; Aase syndrome. Identifiers: Orphanet 124, MedGen C1260899, MeSH D029503, MONDO:0015253, HP:0004810.
RPS24-related disorder. Also called: RPS24-related condition.

Allele frequency attached by ClinVar (database versions not stated): ESP Exome Variant Server 0.00008; gnomAD exomes 0.00013 and 0.00021; gnomAD 0.00015 and 0.00017; TOPMed 0.00018; ExAC 0.00023.
gnomAD v4.1: 224 of 1,611,078 alleles (0.014%); highest among the groups gnomAD compares: Middle Eastern, 0.25%; no homozygotes.

Submissions (5):

Labcorp Genetics (formerly Invitae), Labcorp
Classification: Likely benign for Diamond-Blackfan anemia. Last evaluated: 2025-10-11. Review status: criteria provided, single submitter. Criteria: Invitae Variant Classification Sherloc (09022015). Collection method: clinical testing. Allele origin: germline.

Blueprint Genetics
Classification: Likely benign. Last evaluated: 2024-06-05. Review status: criteria provided, single submitter. Criteria: ACMG Guidelines, 2015. Collection method: clinical testing. Allele origin: germline.

Ambry Genetics
Classification: Likely benign for Diamond-Blackfan anemia. Last evaluated: 2022-03-25. Review status: criteria provided, single submitter. Criteria: Ambry Variant Classification Scheme 2023. Collection method: clinical testing. Allele origin: germline.

Genetic Services Laboratory, University of Chicago
Classification: Uncertain significance. Last evaluated: 2015-10-22. Review status: criteria provided, single submitter. Criteria: ACMG Guidelines, 2015. Collection method: clinical testing. Allele origin: germline. Affected: no.

PreventionGenetics, part of Exact Sciences
Classification: Likely benign for RPS24-related condition. Last evaluated: 2019-02-20. Review status: no assertion criteria provided. Collection method: clinical testing. Allele origin: germline. Not counted in ClinVar's aggregate classification.
Comment: This variant is classified as likely benign based on ACMG/AMP sequence variant interpretation guidelines (Richards et al. 2015 PMID: 25741868, with internal and published modifications).